The following is an entry in ClinVar:

NM_005502.4(ABCA1):c.2904G>T (p.Met968Ile)

Gene: ABCA1 (ATP binding cassette subfamily A member 1; minus strand). Cytogenetic location: 9q31.1.
Variant type: single nucleotide variant.
Coding change: c.2904G>T on transcript NM_005502.4 (MANE Select); coding-DNA position 2904, G replaced by T.
Protein change: p.Met968Ile; replaces methionine 968 with isoleucine.
Molecular consequence: missense variant.
Genome position (GRCh38, 1-based): chr9:104,821,431, C>A on the plus strand (G>T on the coding strand, the complement: ABCA1 is on the minus strand). VCF-style: chr9-104821431-C-A. GRCh37 (hg19) VCF-style: chr9-107583712-C-A.
Other names: c.2904G>T (NM_005502.3); short protein forms M968I.
Identifiers: ClinVar variation 1522034 (VCV001522034.7), dbSNP rs2118972241, ClinGen allele CA374319926.

ClinVar aggregate classification (germline): Uncertain significance. Review status: criteria provided, multiple submitters, no conflicts (2 of 4 stars). 2 submissions from 2 submitters: Uncertain significance (2). Last evaluated 2023-12-29.

Conditions:
Cardiovascular phenotype. Identifiers: MedGen CN230736.

Submissions (2):

Ambry Genetics
Classification: Uncertain significance for Cardiovascular phenotype. Last evaluated: 2023-12-29. Review status: criteria provided, single submitter. Criteria: Ambry Variant Classification Scheme 2023. Collection method: clinical testing. Allele origin: germline.
Comment: The p.M968I variant (also known as c.2904G>T), located in coding exon 19 of the ABCA1 gene, results from a G to T substitution at nucleotide position 2904. The methionine at codon 968 is replaced by isoleucine, an amino acid with highly similar properties. This amino acid position is conserved. In addition, this alteration is predicted to be tolerated by in silico analysis. Since supporting evidence is limited at this time, the clinical significance of this alteration remains unclear.

Labcorp Genetics (formerly Invitae), Labcorp
Classification: Uncertain significance. Last evaluated: 2021-07-31. Review status: criteria provided, single submitter. Criteria: Invitae Variant Classification Sherloc (09022015). Collection method: clinical testing. Allele origin: germline.
Comment: This sequence change replaces methionine with isoleucine at codon 968 of the ABCA1 protein (p.Met968Ile). The methionine residue is moderately conserved and there is a small physicochemical difference between methionine and isoleucine. In summary, the available evidence is currently insufficient to determine the role of this variant in disease. Therefore, it has been classified as a Variant of Uncertain Significance. Advanced modeling of protein sequence and biophysical properties (such as structural, functional, and spatial information, amino acid conservation, physicochemical variation, residue mobility, and thermodynamic stability) performed at Invitae indicates that this missense variant is not expected to disrupt ABCA1 protein function. This variant has not been reported in the literature in individuals affected with ABCA1-related conditions. This variant is not present in population databases (ExAC no frequency).